The following is an entry in ClinVar:

ClinVar aggregate classification (germline): Uncertain significance (1 of 4 stars; one submission).

Conditions:
Hereditary cancer-predisposing syndrome. Also called: Neoplastic Syndromes, Hereditary; Tumor predisposition; Hereditary Cancer Syndrome; Hereditary neoplastic syndrome. Identifiers: Orphanet 140162, MedGen C0027672, MeSH D009386, MONDO:0015356.

Submission:

Ambry Genetics
Classification: Uncertain significance for Hereditary cancer-predisposing syndrome. Last evaluated: 2025-08-04. Review status: criteria provided, single submitter. Criteria: Ambry Variant Classification Scheme 2023. Collection method: clinical testing. Allele origin: germline.
Comment: The p.F234L variant (also known as c.700T>C), located in coding exon 5 of the STK11 gene, results from a T to C substitution at nucleotide position 700. The phenylalanine at codon 234 is replaced by leucine, an amino acid with highly similar properties. This amino acid position is conserved. In addition, the in silico prediction for this alteration is inconclusive. Based on the available evidence, the clinical significance of this variant remains unclear.

NM_000455.5(STK11):c.700T>C (p.Phe234Leu)

Gene: STK11 (serine/threonine kinase 11; plus strand). Cytogenetic location: 19p13.3.
Variant type: single nucleotide variant.
Coding change: c.700T>C on transcript NM_000455.5 (MANE Select); coding-DNA position 700, T replaced by C.
Protein change: p.Phe234Leu; replaces phenylalanine 234 with leucine.
Molecular consequence: missense variant. On other transcripts: non-coding transcript variant (1).
Genome position (GRCh38, 1-based): chr19:1,220,683, T>C. VCF-style: chr19-1220683-T-C. GRCh37 (hg19) VCF-style: chr19-1220682-T-C.
Other names: c.700T>C, p.Phe234Leu (NM_001407255.1); short protein forms F234L.
Identifiers: ClinVar variation 4176596 (VCV004176596.1).